The following is an entry in ClinVar:

NM_006269.2(RP1):c.606C>A (p.Asp202Glu)

Gene: RP1 (RP1 axonemal microtubule associated; plus strand). Cytogenetic location: 8q12.1.
Variant type: single nucleotide variant.
Coding change: c.606C>A on transcript NM_006269.2 (MANE Select); coding-DNA position 606, C replaced by A.
Protein change: p.Asp202Glu; replaces aspartic acid 202 with glutamic acid.
Molecular consequence: missense variant.
Genome position (GRCh38, 1-based): chr8:54,621,572, C>A. VCF-style: chr8-54621572-C-A. GRCh37 (hg19) VCF-style: chr8-55534132-C-A.
Other names: c.606C>A, p.Asp202Glu (NM_001375654.1); short protein forms D202E.
Identifiers: ClinVar variation 979011 (VCV000979011.12), dbSNP rs1805879513, ClinGen allele CA370987409.

ClinVar aggregate classification (germline): Pathogenic/Likely pathogenic. Review status: criteria provided, multiple submitters, no conflicts (2 of 4 stars). 7 submissions from 7 submitters: Pathogenic (3); Likely pathogenic (3). 1 of the submissions does not count toward it. Last evaluated 2026-02-26.

Conditions:
Retinitis pigmentosa 1 (RP1). Identifiers: Orphanet 791, MedGen C0220701, MONDO:0008377, OMIM 180100.
RP1-related disorder. Also called: RP1-related condition.
Retinal dystrophy. Also called: Inherited retinal dystrophy. Identifiers: Orphanet 71862, MedGen C0854723, MeSH D058499, MONDO:0019118, HP:0000556.
Autosomal recessive retinitis pigmentosa. Identifiers: MedGen C0339526.

gnomAD v4.1: 3 of 1,614,108 alleles (0.00019%); highest among the groups gnomAD compares: Middle Eastern, 0.05%; no homozygotes.

Submissions (7):

GeneDx
Classification: Pathogenic. Last evaluated: 2026-02-26. Review status: criteria provided, single submitter. Criteria: GeneDx Variant Classification Process June 2021. Collection method: clinical testing. Allele origin: germline.
Comment: Not observed at significant frequency in large population cohorts (gnomAD); In silico analysis suggests that this missense variant does not alter protein structure/function; This variant is associated with the following publications: (PMID: 19956407, 32565670, 33188265, 37644014, 32037395, 26355662, 31079053, 27307693, 34073704, 35272565, 22052604, 30913292, 31047384, 33681214, 38219857)

Blueprint Genetics
Classification: Pathogenic for RP1-related disorders. Last evaluated: 2024-10-29. Review status: criteria provided, single submitter. Criteria: ACMG Guidelines, 2015. Collection method: clinical testing. Allele origin: germline. Affected: yes. Observed: 5 variant alleles.

Genomic Medicine Center of Excellence, King Faisal Specialist Hospital and Research Centre
Classification: Likely pathogenic for Retinitis pigmentosa 1. Last evaluated: 2024-03-25. Review status: criteria provided, single submitter. Criteria: ACMG Guidelines, 2015. Collection method: clinical testing. Allele origin: germline.

Revvity Omics, Revvity
Classification: Likely pathogenic for Retinitis pigmentosa 1. Last evaluated: 2023-03-15. Review status: criteria provided, single submitter. Criteria: ACMG Guidelines, 2015. Collection method: clinical testing. Allele origin: germline.

Labcorp Genetics (formerly Invitae), Labcorp
Classification: Pathogenic. Last evaluated: 2022-06-14. Review status: criteria provided, single submitter. Criteria: Invitae Variant Classification Sherloc (09022015). Collection method: clinical testing. Allele origin: germline.
Comment: For these reasons, this variant has been classified as Pathogenic. Experimental studies are conflicting or provide insufficient evidence to determine the effect of this variant on RP1 function (PMID: 31079053). Algorithms developed to predict the effect of missense changes on protein structure and function (SIFT, PolyPhen-2, Align-GVGD) all suggest that this variant is likely to be disruptive. ClinVar contains an entry for this variant (Variation ID: 979011). This missense change has been observed in individuals with autosomal recessive RP1-related conditions (PMID: 19956407, 31079053, 32037395). It has also been observed to segregate with disease in related individuals. This variant is not present in population databases (gnomAD no frequency). This sequence change replaces aspartic acid, which is acidic and polar, with glutamic acid, which is acidic and polar, at codon 202 of the RP1 protein (p.Asp202Glu).

Institute of Human Genetics, Univ. Regensburg, Univ. Regensburg
Classification: Likely pathogenic for Retinal dystrophy. Last evaluated: 2017-01-01. Review status: criteria provided, single submitter. Criteria: ACMG Guidelines, 2015. Collection method: clinical testing. Allele origin: germline. Affected: yes.

Faculty of Health Sciences, Beirut Arab University
Classification: Pathogenic for Autosomal recessive Retinitis Pigmentosa. Last evaluated: 2015-09-10. Review status: no assertion criteria provided. Collection method: literature only. Allele origin: germline. Affected: yes. Observed: 5 variant alleles. Not counted in ClinVar's aggregate classification.

Literature cited by the submitters: PubMed 31079053 (cited by Labcorp Genetics (formerly Invitae), Labcorp and Institute of Human Genetics, Univ. Regensburg, Univ. Regensburg); PubMed 19956407 (cited by 3 submitters); PubMed 32037395 (cited by Labcorp Genetics (formerly Invitae), Labcorp and Institute of Human Genetics, Univ. Regensburg, Univ. Regensburg); PubMed 26355662 (cited by Institute of Human Genetics, Univ. Regensburg, Univ. Regensburg and Faculty of Health Sciences, Beirut Arab University); PubMed 32565670 (cited by Institute of Human Genetics, Univ. Regensburg, Univ. Regensburg); PubMed 35272565 (cited by Institute of Human Genetics, Univ. Regensburg, Univ. Regensburg); PubMed 23105016 (cited by Faculty of Health Sciences, Beirut Arab University).